The following is an entry in ClinVar:

NM_021922.3(FANCE):c.1222C>T (p.Gln408Ter)

Gene: FANCE (FA complementation group E; plus strand). Cytogenetic location: 6p21.31.
Variant type: single nucleotide variant.
Coding change: c.1222C>T on transcript NM_021922.3 (MANE Select); coding-DNA position 1222, C replaced by T.
Protein change: p.Gln408Ter; replaces glutamine 408 with a stop codon.
Molecular consequence: nonsense.
Genome position (GRCh38, 1-based): chr6:35,459,439, C>T. VCF-style: chr6-35459439-C-T. GRCh37 (hg19) VCF-style: chr6-35427216-C-T.
Other names: c.1222C>T, p.Gln408Ter (NM_001410876.1); short protein forms Q408*.
Identifiers: ClinVar variation 2675546 (VCV002675546.2), dbSNP rs2150896659, ClinGen allele CA363776888.

ClinVar aggregate classification (germline): Pathogenic. Review status: criteria provided, multiple submitters, no conflicts (2 of 4 stars). 2 submissions from 2 submitters: Pathogenic (2). Last evaluated 2024-07-25.

Conditions:
Fanconi anemia complementation group E (FANCE). Also called: FANCE-Related Fanconi Anemia. Identifiers: Orphanet 84, MedGen C3160739, MONDO:0010953, OMIM 600901.

Allele frequency attached by ClinVar (database versions not stated): gnomAD exomes below 0.00001.
gnomAD v4.1: 1 of 1,614,112 alleles (0.000062%); highest among the groups gnomAD compares: South Asian, 0.0011%; no homozygotes.

Submissions (2):

3billion
Classification: Pathogenic for Fanconi anemia complementation group E. Last evaluated: 2024-07-25. Review status: criteria provided, single submitter. Criteria: ACMG Guidelines, 2015. Collection method: clinical testing. Allele origin: germline. Affected: yes.
Comment: The variant is observed at an extremely low frequency in the gnomAD v4.0.0 dataset (total allele frequency: <0.001%). Predicted Consequence/Location: Stop-gained (nonsense): predicted to result in a loss or disruption of normal protein function through nonsense-mediated decay (NMD) or protein truncation. Multiple pathogenic variants are reported downstream of the variant. The variant has been reported to be associated with FANCE related disorder (ClinVar ID: VCV002675546). Therefore, this variant is classified as Pathogenic according to the recommendation of ACMG/AMP guideline.

Baylor Genetics
Classification: Pathogenic for Fanconi anemia complementation group E. Last evaluated: 2023-02-08. Review status: criteria provided, single submitter. Criteria: ACMG Guidelines, 2015. Collection method: clinical testing. Allele origin: unknown.